The following is an entry in ClinVar:

NM_004525.3(LRP2):c.2301G>A (p.Lys767=)

Gene: LRP2 (LDL receptor related protein 2; minus strand). Cytogenetic location: 2q31.1.
Variant type: single nucleotide variant.
Coding change: c.2301G>A on transcript NM_004525.3 (MANE Select); coding-DNA position 2301, G replaced by A.
Protein change: p.Lys767=; no amino-acid change (lysine 767 retained).
Molecular consequence: synonymous variant.
Genome position (GRCh38, 1-based): chr2:169,270,923, C>T on the plus strand (G>A on the coding strand, the complement: LRP2 is on the minus strand). VCF-style: chr2-169270923-C-T. GRCh37 (hg19) VCF-style: chr2-170127433-C-T.
Identifiers: ClinVar variation 893657 (VCV000893657.28), dbSNP rs1163346501, ClinGen allele CA429921790.

ClinVar aggregate classification (germline): Conflicting classifications of pathogenicity. Review status: criteria provided, conflicting classifications (1 of 4 stars). 2 submissions from 2 submitters: Uncertain significance (1); Likely benign (1). Last evaluated 2024-11-01.

Conditions:
Donnai-Barrow syndrome. Also called: DBS/FOAR SYNDROME; FACIOOCULOACOUSTICORENAL SYNDROME. Identifiers: Orphanet 2143, MedGen C1857277, MONDO:0009104, OMIM 222448.

Allele frequency attached by ClinVar (database versions not stated): TOPMed below 0.00001.
gnomAD v4.1: 2 of 1,612,546 alleles (0.00012%); highest among the groups gnomAD compares: Non-Finnish European, 0.00017%; no homozygotes.

Submissions (2):

CeGaT Center for Human Genetics Tuebingen
Classification: Likely benign. Last evaluated: 2024-11-01. Review status: criteria provided, single submitter. Criteria: CeGaT Center For Human Genetics Tuebingen Variant Classification Criteria Version 2. Collection method: clinical testing. Allele origin: germline. Affected: yes. Observed: 4 variant alleles.
Comment: LRP2: BP4, BP7

Illumina Laboratory Services, Illumina
Classification: Uncertain significance for Donnai-Barrow syndrome. Last evaluated: 2018-03-02. Review status: criteria provided, single submitter. Criteria: ICSL Variant Classification Criteria 13 December 2019. Collection method: clinical testing. Allele origin: germline.